The following is an entry in ClinVar:

NM_020297.4(ABCC9):c.3931G>C (p.Glu1311Gln)

Genes: KCNJ8-AS1 (KCNJ8 antisense RNA 1; plus strand), ABCC9 (ATP binding cassette subfamily C member 9; minus strand). Cytogenetic location: 12p12.1.
Variant type: single nucleotide variant.
Coding change: c.3931G>C on transcript NM_020297.4 (MANE Select); coding-DNA position 3931, G replaced by C.
Protein change: p.Glu1311Gln; replaces glutamic acid 1311 with glutamine.
Molecular consequence: missense variant.
Genome position (GRCh38, 1-based): chr12:21,815,855, C>G on the plus strand (G>C on the coding strand, the complement: ABCC9 is on the minus strand). VCF-style: chr12-21815855-C-G. GRCh37 (hg19) VCF-style: chr12-21968789-C-G.
Other names: c.3931G>C, p.Glu1311Gln (NM_001377273.1, NM_005691.4); c.3064G>C, p.Glu1022Gln (NM_001377274.1); short protein forms E1022Q, E1311Q.
Identifiers: ClinVar variation 1710732 (VCV001710732.3), dbSNP rs2540865043, ClinGen allele CA384136253.

ClinVar aggregate classification (germline): Uncertain significance. Review status: criteria provided, multiple submitters, no conflicts (2 of 4 stars). 2 submissions from 2 submitters: Uncertain significance (2). Last evaluated 2026-07-13.

Conditions:
Cardiovascular phenotype. Identifiers: MedGen CN230736.

Allele frequency attached by ClinVar (database versions not stated): gnomAD exomes below 0.00001.
gnomAD v4.1: 2 of 1,613,280 alleles (0.00012%); highest among the groups gnomAD compares: Non-Finnish European, 0.00017%; no homozygotes.

Submissions (2):

Ambry Genetics
Classification: Uncertain significance for Cardiovascular phenotype. Last evaluated: 2026-07-13. Review status: criteria provided, single submitter. Criteria: Ambry Variant Classification Scheme 2023. Collection method: clinical testing. Allele origin: germline.
Comment: The p.E1311Q variant (also known as c.3931G>C), located in coding exon 32 of the ABCC9 gene, results from a G to C substitution at nucleotide position 3931. The glutamic acid at codon 1311 is replaced by glutamine, an amino acid with highly similar properties. This amino acid position is conserved. In addition, the in silico prediction for this alteration is inconclusive. Based on the available evidence, the clinical significance of this variant remains unclear.

GeneDx
Classification: Uncertain significance. Last evaluated: 2022-04-15. Review status: criteria provided, single submitter. Criteria: GeneDx Variant Classification Process June 2021. Collection method: clinical testing. Allele origin: germline. Affected: yes.
Comment: Has not been previously published as pathogenic or benign to our knowledge; Not observed at significant frequency in large population cohorts (gnomAD); In silico analysis supports that this missense variant does not alter protein structure/function